The following is an entry in ClinVar:

NM_000245.4(MET):c.3316C>T (p.His1106Tyr)

Gene: MET (MET proto-oncogene, receptor tyrosine kinase; plus strand). Cytogenetic location: 7q31.2.
Variant type: single nucleotide variant.
Coding change: c.3316C>T on transcript NM_000245.4 (MANE Select); coding-DNA position 3316, C replaced by T.
Protein change: p.His1106Tyr; replaces histidine 1106 with tyrosine.
Molecular consequence: missense variant.
Genome position (GRCh38, 1-based): chr7:116,777,445, C>T. VCF-style: chr7-116777445-C-T. GRCh37 (hg19) VCF-style: chr7-116417499-C-T.
Other names: c.3370C>T, p.His1124Tyr (NM_001127500.3); c.2026C>T, p.His676Tyr (NM_001324402.2); short protein forms H1124Y, H1106Y, H676Y.
Identifiers: ClinVar variation 945436 (VCV000945436.9), dbSNP rs1795030662, ClinGen allele CA368989793.
Genomic context (GRCh38, chr7:116,777,445, plus strand): 5'-ACAGGGCATTTTGGTTGTGTATATCATGGGACTTTGTTGGACAATGATGGCAAGAAAATT[C>T]ACTGTGCTGTGAAATCCTTGAACAGTAAGTGGCATTTTATTTAACCATGGAGTATACTTT-3'
Protein context (NP_000236.2, residues 1096-1116): TLLDNDGKKI[His1106Tyr]CAVKSLNRIT

ClinVar aggregate classification (germline): Uncertain significance (1 of 4 stars; one submission).

Conditions:
Renal cell carcinoma. Identifiers: Orphanet 217071, MedGen C0007134, MeSH D002292, MONDO:0005086, HP:0005584.

Submission:

Labcorp Genetics (formerly Invitae), Labcorp
Classification: Uncertain significance for Renal cell carcinoma. Last evaluated: 2019-08-19. Review status: criteria provided, single submitter. Criteria: Invitae Variant Classification Sherloc (09022015). Collection method: clinical testing. Allele origin: germline.
Comment: This sequence change replaces histidine with tyrosine at codon 1124 of the MET protein (p.His1124Tyr). The histidine residue is highly conserved and there is a moderate physicochemical difference between histidine and tyrosine. In summary, the available evidence is currently insufficient to determine the role of this variant in disease. Therefore, it has been classified as a Variant of Uncertain Significance. Algorithms developed to predict the effect of missense changes on protein structure and function are either unavailable or do not agree on the potential impact of this missense change (SIFT: "Deleterious"; PolyPhen-2: "Probably Damaging"; Align-GVGD: "Class C0"). This variant has not been reported in the literature in individuals with MET-related conditions. This variant is not present in population databases (ExAC no frequency).